The following is an entry in ClinVar:

ClinVar aggregate classification (germline): Uncertain significance (1 of 4 stars; one submission).

Conditions:
Axenfeld-Rieger syndrome type 3 (RIEG3). Also called: AXENFELD-RIEGER ANOMALY WITH CARDIAC DEFECTS AND/OR SENSORINEURAL HEARING LOSS. Identifiers: Orphanet 782, MedGen C2678503, MONDO:0011233, OMIM 602482.

Submission:

Labcorp Genetics (formerly Invitae), Labcorp
Classification: Uncertain significance for Axenfeld-Rieger syndrome type 3. Last evaluated: 2024-02-24. Review status: criteria provided, single submitter. Criteria: Invitae Variant Classification Sherloc (09022015). Collection method: clinical testing. Allele origin: germline.
Comment: This variant, c.556_558del, results in the deletion of 1 amino acid(s) of the FOXC1 protein (p.Lys186del), but otherwise preserves the integrity of the reading frame. This variant is present in population databases (no rsID available, gnomAD 0.0009%). This variant has not been reported in the literature in individuals affected with FOXC1-related conditions. ClinVar contains an entry for this variant (Variation ID: 1447655). Experimental studies and prediction algorithms are not available or were not evaluated, and the functional significance of this variant is currently unknown. In summary, the available evidence is currently insufficient to determine the role of this variant in disease. Therefore, it has been classified as a Variant of Uncertain Significance.

NM_001453.3(FOXC1):c.556_558del (p.Lys186del)

Gene: FOXC1 (forkhead box C1; plus strand). Cytogenetic location: 6p25.3.
Variant type: Deletion.
Coding change: c.556_558del on transcript NM_001453.3 (MANE Select); coding-DNA positions 556 to 558, 3 bases deleted (AAG; older notation c.556_558delAAG).
Protein change: p.Lys186del; deletes lysine 186.
Molecular consequence: inframe deletion.
Genome position (GRCh38, 1-based): chr6:1,611,001-1,611,003, AAG deleted; deleting any 3 consecutive bases within chr6:1,610,999-1,611,003 gives the same sequence; the c. name uses the placement nearest the transcript's 3' end. VCF-style (leftmost placement, unchanged base first): chr6-1610998-GAGA-G. GRCh37 (hg19) VCF-style: chr6-1611233-GAGA-G.
Other names: short protein forms K186del.
Identifiers: ClinVar variation 1447655 (VCV001447655.6), dbSNP rs1486212361, ClinGen allele CA565356187.